The following is an entry in ClinVar:

NM_014874.4(MFN2):c.964G>A (p.Glu322Lys)

Gene: MFN2 (mitofusin 2; plus strand). Cytogenetic location: 1p36.22.
Variant type: single nucleotide variant.
Coding change: c.964G>A on transcript NM_014874.4 (MANE Select); coding-DNA position 964, G replaced by A.
Protein change: p.Glu322Lys; replaces glutamic acid 322 with lysine.
Molecular consequence: missense variant.
Genome position (GRCh38, 1-based): chr1:12,001,548, G>A. VCF-style: chr1-12001548-G-A. GRCh37 (hg19) VCF-style: chr1-12061605-G-A.
Other names: c.964G>A, p.Glu322Lys (NM_001127660.2); short protein forms E322K.
Identifiers: ClinVar variation 806067 (VCV000806067.48), dbSNP rs1569852256, ClinGen allele CA338442038.

ClinVar aggregate classification (germline): Uncertain significance. Review status: criteria provided, multiple submitters, no conflicts (2 of 4 stars). 2 submissions from 2 submitters: Uncertain significance (2). Last evaluated 2025-10-01.

Conditions:
Charcot-Marie-Tooth disease type 2. Also called: Charcot-Marie-Tooth type 2. Identifiers: Orphanet 64746, MedGen C0270914, MONDO:0018993.

Submissions (2):

CeGaT Center for Human Genetics Tuebingen
Classification: Uncertain significance. Last evaluated: 2025-10-01. Review status: criteria provided, single submitter. Criteria: CeGaT Center For Human Genetics Tuebingen Variant Classification Criteria Version 2. Collection method: clinical testing. Allele origin: germline. Affected: yes. Observed: 1 variant allele.
Comment: MFN2: PM2, PP3

Labcorp Genetics (formerly Invitae), Labcorp
Classification: Uncertain significance for Charcot-Marie-Tooth disease type 2. Last evaluated: 2020-11-14. Review status: criteria provided, single submitter. Criteria: Invitae Variant Classification Sherloc (09022015). Collection method: clinical testing. Allele origin: germline.
Comment: This sequence change replaces glutamic acid with lysine at codon 322 of the MFN2 protein (p.Glu322Lys). The glutamic acid residue is moderately conserved and there is a small physicochemical difference between glutamic acid and lysine. This variant is not present in population databases (ExAC no frequency). This variant has not been reported in the literature in individuals with MFN2-related conditions. ClinVar contains an entry for this variant (Variation ID: 806067). Algorithms developed to predict the effect of missense changes on protein structure and function (SIFT, PolyPhen-2, Align-GVGD) all suggest that this variant is likely to be tolerated, but these predictions have not been confirmed by published functional studies and their clinical significance is uncertain. In summary, the available evidence is currently insufficient to determine the role of this variant in disease. Therefore, it has been classified as a Variant of Uncertain Significance.